The following is an entry in ClinVar:

ClinVar aggregate classification (germline): Uncertain significance (1 of 4 stars; one submission).

Conditions:
Tuberous sclerosis 2 (TSC2). Identifiers: Orphanet 805, MedGen C1860707, MONDO:0013199, OMIM 613254.

Submission:

Labcorp Genetics (formerly Invitae), Labcorp
Classification: Uncertain significance for Tuberous sclerosis 2. Last evaluated: 2021-08-13. Review status: criteria provided, single submitter. Criteria: Invitae Variant Classification Sherloc (09022015). Collection method: clinical testing. Allele origin: germline.
Comment: This sequence change replaces leucine with methionine at codon 1212 of the TSC2 protein (p.Leu1212Met). The leucine residue is highly conserved and there is a small physicochemical difference between leucine and methionine. This variant is not present in population databases (ExAC no frequency). This variant has not been reported in the literature in individuals affected with TSC2-related conditions. Advanced modeling of protein sequence and biophysical properties (such as structural, functional, and spatial information, amino acid conservation, physicochemical variation, residue mobility, and thermodynamic stability) performed at Invitae indicates that this missense variant is not expected to disrupt TSC2 protein function. In summary, the available evidence is currently insufficient to determine the role of this variant in disease. Therefore, it has been classified as a Variant of Uncertain Significance.

NM_000548.5(TSC2):c.3634C>A (p.Leu1212Met)

Gene: TSC2 (TSC complex subunit 2; plus strand). Cytogenetic location: 16p13.3.
Variant type: single nucleotide variant.
Coding change: c.3634C>A on transcript NM_000548.5 (MANE Select); coding-DNA position 3634, C replaced by A.
Protein change: p.Leu1212Met; replaces leucine 1212 with methionine.
Molecular consequence: missense variant.
Genome position (GRCh38, 1-based): chr16:2,081,618, C>A. VCF-style: chr16-2081618-C-A. GRCh37 (hg19) VCF-style: chr16-2131619-C-A.
Other names: c.3502C>A, p.Leu1168Met (NM_001077183.3, NM_001370404.1); c.3634C>A, p.Leu1212Met (NM_001114382.3); c.3394C>A, p.Leu1132Met (NM_001318827.2); c.3358C>A, p.Leu1120Met (NM_001318829.2); c.2902C>A, p.Leu968Met (NM_001318831.2); c.3535C>A, p.Leu1179Met (NM_001318832.2); c.3505C>A, p.Leu1169Met (NM_001363528.2, NM_001370405.1, NM_021055.3); short protein forms L1179M, L1212M, L1120M, L1132M, L1169M, L968M, L1168M.
Identifiers: ClinVar variation 1483061 (VCV001483061.6), dbSNP rs1358537146, ClinGen allele CA394291753.